The following is an entry in ClinVar:

ClinVar aggregate classification (germline): Conflicting classifications of pathogenicity. Review status: criteria provided, conflicting classifications (1 of 4 stars). 8 submissions from 8 submitters: Uncertain significance (7); Likely benign (1). Last evaluated 2025-12-27.

Conditions:
Cardiovascular phenotype. Identifiers: MedGen CN230736.
Cardiac arrhythmia. Also called: Arrhythmia; Cardiac rhythm disease. Identifiers: MedGen C0003811, MONDO:0007263, HP:0011675.
Long QT syndrome (LQTS). Identifiers: MedGen C0023976, MeSH D008133, MONDO:0002442. Disease mechanism: loss of function. Inheritance: Various modes of inheritance.

Allele frequency attached by ClinVar (database versions not stated): gnomAD exomes 0.00003 and 0.00008; ExAC 0.00005; TOPMed 0.00005; gnomAD 0.00006 and 0.00007.
gnomAD v4.1: 58 of 1,613,838 alleles (0.0036%); highest among the groups gnomAD compares: Admixed American, 0.037%; no homozygotes.

Submissions (8):

Labcorp Genetics (formerly Invitae), Labcorp
Classification: Uncertain significance for Long QT syndrome. Last evaluated: 2025-12-27. Review status: criteria provided, single submitter. Criteria: Invitae Variant Classification Sherloc (09022015). Collection method: clinical testing. Allele origin: germline.
Comment: This sequence change replaces arginine, which is basic and polar, with tryptophan, which is neutral and slightly polar, at codon 401 of the KCNQ1 protein (p.Arg401Trp). This variant is present in population databases (rs766616232, gnomAD 0.04%). This variant has not been reported in the literature in individuals affected with KCNQ1-related conditions. ClinVar contains an entry for this variant (Variation ID: 200903). Invitae Evidence Modeling of protein sequence and biophysical properties (such as structural, functional, and spatial information, amino acid conservation, physicochemical variation, residue mobility, and thermodynamic stability) has been performed for this missense variant. However, the output from this modeling did not meet the statistical confidence thresholds required to predict the impact of this variant on KCNQ1 protein function. In summary, the available evidence is currently insufficient to determine the role of this variant in disease. Therefore, it has been classified as a Variant of Uncertain Significance.

Color Diagnostics, LLC DBA Color Health
Classification: Uncertain significance for Cardiac arrhythmia. Last evaluated: 2025-11-26. Review status: criteria provided, single submitter. Criteria: ACMG Guidelines, 2015. Collection method: clinical testing. Allele origin: germline.
Comment: This missense variant replaces arginine with tryptophan at codon 401 of the KCNQ1 protein. Computational prediction is inconclusive regarding the impact of this variant on protein structure and function. To our knowledge, functional studies have not been reported for this variant. This variant has not been reported in individuals affected with KCNQ1-related disorders in the literature. This variant has been identified in 58/1613838 chromosomes in the general population by the Genome Aggregation Database (gnomAD). The available evidence is insufficient to determine the role of this variant in disease conclusively. Therefore, this variant is classified as a Variant of Uncertain Significance.

Blueprint Genetics
Classification: Likely benign. Last evaluated: 2024-02-26. Review status: criteria provided, single submitter. Criteria: ACMG Guidelines, 2015. Collection method: clinical testing. Allele origin: germline.

All of Us Research Program, National Institutes of Health
Classification: Uncertain significance for Long QT syndrome. Last evaluated: 2024-02-05. Review status: criteria provided, single submitter. Criteria: ACMG Guidelines, 2015. Collection method: clinical testing. Allele origin: germline. Inheritance: Autosomal dominant inheritance. Observed: 9 variant alleles, 9 heterozygotes.
Comment: This missense variant replaces arginine with tryptophan at codon 401 of the KCNQ1 protein. Computational prediction suggests that this variant may have deleterious impact on protein structure and function (internally defined REVEL score threshold >= 0.7, PMID: 27666373). To our knowledge, functional studies have not been reported for this variant. This variant has not been reported in individuals affected with cardiovascular disorders in the literature. This variant has been identified in 20/282708 chromosomes in the general population by the Genome Aggregation Database (gnomAD). The relatively high frequency of this variant in the general population suggests that this variant is unlikely to be disease-causing. However, additional studies are necessary to determine the role of this variant in disease conclusively. Therefore, this variant is classified as a Variant of Uncertain Significance.

This study involves interpretation of variants in research participants for the purpose of population health screening. Participant phenotype was not available at the time of variant classification. Additional details can be found in publication PMID: 35346344, PMCID: PMC8962531

Ambry Genetics
Classification: Uncertain significance for Cardiovascular phenotype. Last evaluated: 2023-11-13. Review status: criteria provided, single submitter. Criteria: Ambry Variant Classification Scheme 2023. Collection method: clinical testing. Allele origin: germline.
Comment: The p.R401W variant (also known as c.1201C>T), located in coding exon 9 of the KCNQ1 gene, results from a C to T substitution at nucleotide position 1201. The arginine at codon 401 is replaced by tryptophan, an amino acid with dissimilar properties. This amino acid position is well conserved in available vertebrate species. In addition, this alteration is predicted to be deleterious by in silico analysis. Since supporting evidence is limited at this time, the clinical significance of this alteration remains unclear.

GeneDx
Classification: Uncertain significance. Last evaluated: 2022-08-03. Review status: criteria provided, single submitter. Criteria: GeneDx Variant Classification Process June 2021. Collection method: clinical testing. Allele origin: germline. Affected: yes.
Comment: Has not been previously published as pathogenic or benign to our knowledge; In silico analysis supports that this missense variant has a deleterious effect on protein structure/function; This variant is associated with the following publications: (PMID: 27535533)

Eurofins Ntd Llc (ga)
Classification: Uncertain significance. Last evaluated: 2016-12-16. Review status: criteria provided, single submitter. Criteria: EGL Classification Definitions 2015. Collection method: clinical testing. Allele origin: germline. Observed: 1 variant allele, 1 heterozygote.

Laboratory for Molecular Medicine, Mass General Brigham Personalized Medicine
Classification: Uncertain significance. Last evaluated: 2016-05-27. Review status: criteria provided, single submitter. Criteria: LMM Criteria. Collection method: clinical testing. Allele origin: germline. Observed: 1 variant allele.
Comment: The p.Arg401Trp variant in KCNQ1 has not been previously reported in individuals with hearing loss, long QT syndrome, or Jervell and Lange-Nielsen syndrome. It has been reported in one individual in the ClinVar database by a single laborato ry (Accession ID RCV000182317.1); however c linical and genetic findings were not provided. This variant has also been ident ified in 4/11572 Latino chromosomes by the Exome Aggregation Consortium (ExAC; dbSNP rs766616232); though this frequency is not high enough to rule out a pathogenic role. Computational prediction tools and co nservation analyses suggest an impact to the protein; however this data is not s ufficient to determine pathogenicity. In summary, the clinical significance of t he p.Arg401Trp variant is uncertain.

NM_000218.3(KCNQ1):c.1201C>T (p.Arg401Trp)

Gene: KCNQ1 (potassium voltage-gated channel subfamily Q member 1; plus strand). Cytogenetic location: 11p15.5.
Variant type: single nucleotide variant.
Coding change: c.1201C>T on transcript NM_000218.3 (MANE Select); coding-DNA position 1201, C replaced by T.
Protein change: p.Arg401Trp; replaces arginine 401 with tryptophan.
Molecular consequence: missense variant.
Genome position (GRCh38, 1-based): chr11:2,587,642, C>T. VCF-style: chr11-2587642-C-T. GRCh37 (hg19) VCF-style: chr11-2608872-C-T.
Other names: p.R401W:CGG>TGG; c.1105C>T, p.Arg369Trp (NM_001406836.1); c.931C>T, p.Arg311Trp (NM_001406837.1); c.661C>T, p.Arg221Trp (NM_001406838.1); c.820C>T, p.Arg274Trp (NM_181798.2); short protein forms R274W, R401W, R311W, R369W, R221W.
Identifiers: ClinVar variation 200903 (VCV000200903.77), dbSNP rs766616232, ClinGen allele CA005511.
Genomic context (GRCh38, chr11:2,587,642, plus strand): 5'-TGCTATGCTGCCGAGAACCCCGACTCCTCCACCTGGAAGATCTACATCCGGAAGGCCCCC[C>T]GGAGCCACACTCTGCTGTCACCCAGCCCCAAACCCAAGAAGTCTGTGGTGGTGAGTAGCC-3'
Protein context (NP_000209.2, residues 391-411): TWKIYIRKAP[Arg401Trp]SHTLLSPSPK